The following is an entry in ClinVar:

ClinVar aggregate classification (germline): Likely pathogenic. Review status: criteria provided, multiple submitters, no conflicts (2 of 4 stars). 4 submissions from 4 submitters: Likely pathogenic (4). Last evaluated 2026-02-03.

Conditions:
Neuromuscular disease caused by qualitative or quantitative defects of dystrophin. Also called: Qualitative or quantitative defects of dystrophin. Identifiers: Orphanet 207085, MedGen C5679787, MONDO:0016147.
Becker muscular dystrophy, Cardiomyopathy, Duchenne muscular dystrophy, Dystrophin deficiency.
Becker muscular dystrophy (BMD). Also called: MUSCULAR DYSTROPHY, PSEUDOHYPERTROPHIC PROGRESSIVE, BECKER TYPE; Becker Muscular Dystrophy (BMD). Identifiers: Orphanet 98895, MedGen C0917713, MONDO:0010311, OMIM 300376.
Duchenne muscular dystrophy (DMD). Also called: MUSCULAR DYSTROPHY, PSEUDOHYPERTROPHIC PROGRESSIVE, DUCHENNE TYPE; Duchenne Muscular Dystrophy (DMD). Identifiers: Orphanet 98896, MedGen C0013264, MONDO:0010679, OMIM 310200.

Submissions (5):

Women's Health and Genetics/Laboratory Corporation of America, LabCorp
Classification: Likely pathogenic for Neuromuscular disease caused by qualitative or quantitative defects of dystrophin. Last evaluated: 2026-02-03. Review status: criteria provided, single submitter. Criteria: LabCorp Variant Classification Summary - May 2015. Collection method: clinical testing. Allele origin: germline.
Comment: Variant summary: DMD c.6290G>T (p.Gly2097Val) results in a non-conservative amino acid change in the encoded protein sequence. Algorithms developed to predict the effect of missense changes on protein structure and function are either unavailable or do not agree on the potential impact of this missense change. Several computational tools predict a significant impact on normal splicing: Three predict the variant abolishes a canonical 5' splicing donor site. However, these predictions have yet to be confirmed by functional studies. The variant was absent in 182341 control chromosomes. c.6290G>T has been observed in at-least one individual affected with Becker/Duchenne muscular dystrophy and was reported as a de novo occurrence (Tian_2019). To our knowledge, no experimental evidence demonstrating an impact on protein function has been reported. The following publication has been ascertained in the context of this evaluation (PMID: 30907348). ClinVar contains an entry for this variant (Variation ID: 2169639). Based on the evidence outlined above, the variant was classified as likely pathogenic.

Natera, Inc.
Classification: Likely pathogenic for Becker muscular dystrophy, Cardiomyopathy, Duchenne muscular dystrophy, Dystrophin deficiency. Last evaluated: 2025-11-14. Review status: criteria provided, single submitter. Criteria: Natera Variant Classification Schema (03/2026). Collection method: clinical testing. Allele origin: germline.
Comment: The c.6290G>T variant in DMD is a missense variant predicted to cause substitution of glycine to valine at amino acid 2097. This variant is rare in the general population with a frequency below the threshold expected for the associated phenotype(s). This variant has been observed in affected individual(s) with monoallelic occurrence (heterozygous/hemizygous) (PMID: 30907348). This variant has been confirmed as or assumed to be a de novo occurrence in one or more affected individuals (PMID: 30907348). This variant has been identified in one or more affected individual with a phenotype highly consistent with the associated gene (PMID: 30907348). Given the available evidence, this variant is classified as Likely Pathogenic.

Labcorp Genetics (formerly Invitae), Labcorp
Classification: Likely pathogenic for Duchenne muscular dystrophy. Last evaluated: 2022-06-27. Review status: criteria provided, single submitter. Criteria: Invitae Variant Classification Sherloc (09022015). Collection method: clinical testing. Allele origin: germline.
Comment: This variant is not present in population databases (gnomAD no frequency). This sequence change replaces glycine, which is neutral and non-polar, with valine, which is neutral and non-polar, at codon 2097 of the DMD protein (p.Gly2097Val). This variant also falls at the last nucleotide of exon 43, which is part of the consensus splice site for this exon. In summary, the currently available evidence indicates that the variant is pathogenic, but additional data are needed to prove that conclusively. Therefore, this variant has been classified as Likely Pathogenic. Variants that disrupt the consensus splice site are a relatively common cause of aberrant splicing (PMID: 17576681, 9536098). Algorithms developed to predict the effect of sequence changes on RNA splicing suggest that this variant may create or strengthen a splice site. Algorithms developed to predict the effect of missense changes on protein structure and function are either unavailable or do not agree on the potential impact of this missense change (SIFT: "Deleterious"; PolyPhen-2: "Probably Damaging"; Align-GVGD: "Class C15"). This missense change has been observed in individual(s) with Becker/Duchenne muscular dystrophy (PMID: 30907348). In at least one individual the variant was observed to be de novo.

Baylor Genetics
Classification: Likely pathogenic for Becker muscular dystrophy. Last evaluated: 2022-05-24. Review status: criteria provided, single submitter. Criteria: ACMG Guidelines, 2015. Collection method: clinical testing. Allele origin: unknown.

Dr. Peter K. Rogan Lab, Western University
No classification provided (evidence only). Condition: Thyroid cancer, nonmedullary, 1. Review status: no classification provided. Collection method: in vitro. Allele origin: not applicable. Functional consequence: retained intron. Not counted in ClinVar's aggregate classification.

Literature cited by the submitters: PubMed 30907348 (cited by 3 submitters); PubMed 17576681 (cited by Labcorp Genetics (formerly Invitae), Labcorp); PubMed 9536098 (cited by Labcorp Genetics (formerly Invitae), Labcorp).

NM_004006.3(DMD):c.6290G>T (p.Gly2097Val)

Gene: DMD (dystrophin; minus strand). Cytogenetic location: Xp21.1.
Variant type: single nucleotide variant.
Coding change: c.6290G>T on transcript NM_004006.3 (MANE Select); coding-DNA position 6290, G replaced by T.
Protein change: p.Gly2097Val; replaces glycine 2097 with valine.
Molecular consequence: missense variant.
Genome position (GRCh38, 1-based): chrX:32,287,529, C>A on the plus strand (G>T on the coding strand, the complement: DMD is on the minus strand). VCF-style: chrX-32287529-C-A. GRCh37 (hg19) VCF-style: chrX-32305646-C-A.
Other names: c.6266G>T, p.Gly2089Val (NM_000109.4); c.6278G>T, p.Gly2093Val (NM_004009.3); c.5921G>T, p.Gly1974Val (NM_004010.3); c.2267G>T, p.Gly756Val (NM_004011.4); c.2258G>T, p.Gly753Val (NM_004012.4); short protein forms G2093V, G756V, G1974V, G2089V, G2097V, G753V.
Identifiers: ClinVar variation 2169639 (VCV002169639.8), dbSNP rs2519918676, ClinGen allele CA412665488.
Genomic context (GRCh38, chrX:32,287,529, plus strand): 5'-ACAGTTCCCTGAAAACAAATCATTTCTGCAAGTATCAAGAAAAATATATGTGTTACCTAC[C>A]CTTGTCGGTCCTTGTACATTTTGTTAACTTTTTCCCATTGGAAATCAAGCTGGGAGAGAG-3'
Protein context (NP_003997.2, residues 2087-2107): KVNKMYKDRQ[Gly2097Val]RFDRSVEKWR